The following is an entry in ClinVar:

ClinVar aggregate classification (germline): Uncertain significance. Review status: criteria provided, multiple submitters, no conflicts (2 of 4 stars). 2 submissions from 2 submitters: Uncertain significance (2). Last evaluated 2024-12-29.

Conditions:
Fanconi anemia (FA). Also called: Fanconi's anemia. Identifiers: Orphanet 84, MedGen C0015625, MeSH D005199, MONDO:0019391.
Inborn genetic diseases. Identifiers: MedGen C0950123, MeSH D030342.

Submissions (2):

Ambry Genetics
Classification: Uncertain significance for Inborn genetic diseases. Last evaluated: 2024-12-29. Review status: criteria provided, single submitter. Criteria: Ambry Variant Classification Scheme 2023. Collection method: clinical testing. Allele origin: germline.
Comment: The p.L1037F variant (also known as c.3111G>C), located in coding exon 14 of the FANCM gene, results from a G to C substitution at nucleotide position 3111. The leucine at codon 1037 is replaced by phenylalanine, an amino acid with highly similar properties. This amino acid position is conserved. In addition, this alteration is predicted to be tolerated by in silico analysis. Based on the available evidence, the clinical significance of this variant remains unclear.

Labcorp Genetics (formerly Invitae), Labcorp
Classification: Uncertain significance for Fanconi anemia. Last evaluated: 2024-11-17. Review status: criteria provided, single submitter. Criteria: Invitae Variant Classification Sherloc (09022015). Collection method: clinical testing. Allele origin: germline.
Comment: This sequence change replaces leucine, which is neutral and non-polar, with phenylalanine, which is neutral and non-polar, at codon 1037 of the FANCM protein (p.Leu1037Phe). This variant is not present in population databases (gnomAD no frequency). This variant has not been reported in the literature in individuals affected with FANCM-related conditions. ClinVar contains an entry for this variant (Variation ID: 1372482). An algorithm developed to predict the effect of missense changes on protein structure and function (PolyPhen-2) suggests that this variant is likely to be tolerated. In summary, the available evidence is currently insufficient to determine the role of this variant in disease. Therefore, it has been classified as a Variant of Uncertain Significance.

NM_020937.4(FANCM):c.3111G>C (p.Leu1037Phe)

Gene: FANCM (FA complementation group M; plus strand). Cytogenetic location: 14q21.2.
Variant type: single nucleotide variant.
Coding change: c.3111G>C on transcript NM_020937.4 (MANE Select); coding-DNA position 3111, G replaced by C.
Protein change: p.Leu1037Phe; replaces leucine 1037 with phenylalanine.
Molecular consequence: missense variant.
Genome position (GRCh38, 1-based): chr14:45,175,865, G>C. VCF-style: chr14-45175865-G-C. GRCh37 (hg19) VCF-style: chr14-45645068-G-C.
Other names: c.3033G>C, p.Leu1011Phe (NM_001308133.2); c.3111G>C (NM_020937.2); short protein forms L1011F, L1037F.
Identifiers: ClinVar variation 1372482 (VCV001372482.9), dbSNP rs2139246120, ClinGen allele CA389599885.